The following is an entry in ClinVar:

ClinVar aggregate classification (germline): Pathogenic (1 of 4 stars; one submission).

Conditions:
Microcephaly 2, primary, autosomal recessive, with or without cortical malformations. Also called: WDR62 Primary Microcephaly; MICROCEPHALY 2, PRIMARY, AUTOSOMAL RECESSIVE, WITH CORTICAL MALFORMATIONS. Identifiers: Orphanet 2512, MedGen C1858535, MONDO:0011435, OMIM 604317.

Submission:

MGZ Medical Genetics Center
Classification: Pathogenic for Microcephaly 2, primary, autosomal recessive, with or without cortical malformations. Last evaluated: 2022-06-17. Review status: criteria provided, single submitter. Criteria: ACMG Guidelines, 2015. Collection method: clinical testing. Allele origin: germline. Affected: yes. Observed: 1 variant allele.
Comment: ACMG criteria applied: PVS1, PM3, PM2_SUP

NM_001083961.2(WDR62):c.1605dup (p.Glu536Ter)

Gene: WDR62 (WD repeat domain 62; plus strand). Cytogenetic location: 19q13.12.
Variant type: Duplication.
Coding change: c.1605dup on transcript NM_001083961.2 (MANE Select); coding-DNA position 1605, one base duplicated (T; older notation c.1605dupT).
Protein change: p.Glu536Ter; replaces glutamic acid 536 with a stop codon.
Molecular consequence: nonsense. On other transcripts: frameshift variant (3).
Genome position (GRCh38, 1-based): chr19:36,084,707, T duplicated. VCF-style (leftmost placement, unchanged base first): chr19-36084706-C-CT. GRCh37 (hg19) VCF-style: chr19-36575608-C-CT.
Other names: c.1590dup, p.Glu531Terfs (NM_001411145.1); c.1605dup, p.Glu536Terfs (NM_001411146.1); c.1254dup, p.Glu419Terfs (NM_001411147.1); c.1605dup, p.Glu536Ter (NM_173636.5); short protein forms E536*.
Identifiers: ClinVar variation 1709550 (VCV001709550.2), dbSNP rs2513591753, ClinGen allele CA2580096860.